The following is an entry in ClinVar:

ClinVar aggregate classification (germline): Uncertain significance (1 of 4 stars; one submission).

Submission:

Labcorp Genetics (formerly Invitae), Labcorp
Classification: Uncertain significance. Last evaluated: 2020-12-31. Review status: criteria provided, single submitter. Criteria: Invitae Variant Classification Sherloc (09022015). Collection method: clinical testing. Allele origin: germline.
Comment: In summary, the available evidence is currently insufficient to determine the role of this variant in disease. Therefore, it has been classified as a Variant of Uncertain Significance. Algorithms developed to predict the effect of missense changes on protein structure and function are either unavailable or do not agree on the potential impact of this missense change (SIFT: "Deleterious"; PolyPhen-2: "Benign"; Align-GVGD: "Class C0"). This variant has not been reported in the literature in individuals with CTNNA1-related conditions. This variant is not present in population databases (ExAC no frequency). This sequence change replaces valine with isoleucine at codon 340 of the CTNNA1 protein (p.Val340Ile). The valine residue is highly conserved and there is a small physicochemical difference between valine and isoleucine.

NM_001903.5(CTNNA1):c.1018G>A (p.Val340Ile)

Gene: CTNNA1 (catenin alpha 1; plus strand). Cytogenetic location: 5q31.2.
Variant type: single nucleotide variant.
Coding change: c.1018G>A on transcript NM_001903.5 (MANE Select); coding-DNA position 1018, G replaced by A.
Protein change: p.Val340Ile; replaces valine 340 with isoleucine.
Molecular consequence: missense variant.
Genome position (GRCh38, 1-based): chr5:138,827,674, G>A. VCF-style: chr5-138827674-G-A. GRCh37 (hg19) VCF-style: chr5-138163363-G-A.
Other names: c.1018G>A, p.Val340Ile (NM_001323985.2, NM_001323986.2, NM_001290307.3 and 3 more transcripts); c.709G>A, p.Val237Ile (NM_001290309.3); c.649G>A, p.Val217Ile (NM_001290310.3); short protein forms V340I, V217I, V237I.
Identifiers: ClinVar variation 1499357 (VCV001499357.8), dbSNP rs1760856868, ClinGen allele CA361131188.